The following is an entry in ClinVar:

NM_000069.3(CACNA1S):c.640G>A (p.Gly214Arg)

Gene: CACNA1S (calcium voltage-gated channel subunit alpha1 S; minus strand). Cytogenetic location: 1q32.1.
Variant type: single nucleotide variant.
Coding change: c.640G>A on transcript NM_000069.3 (MANE Select); coding-DNA position 640, G replaced by A.
Protein change: p.Gly214Arg; replaces glycine 214 with arginine.
Molecular consequence: missense variant.
Genome position (GRCh38, 1-based): chr1:201,091,694, C>T on the plus strand (G>A on the coding strand, the complement: CACNA1S is on the minus strand). VCF-style: chr1-201091694-C-T. GRCh37 (hg19) VCF-style: chr1-201060822-C-T.
Other names: c.640G>A (NM_000069.2); short protein forms G214R.
Identifiers: ClinVar variation 3069576 (VCV003069576.3), dbSNP rs751069827, ClinGen allele CA083933.
Genomic context (GRCh38, chr1:201,091,694, plus strand): 5'-GCTCACCTGTACCAATGAAGTAGCAGGTCTTGTGCATCTTGCCCTTGAAGAGCTCCAGCC[C>T]GATGATGGCATAGATGATGACCATAAAGAGGACCAGCAGGGCGATGTGAAAGAGGGGGAG-3'
Protein context (NP_000060.2, residues 204-224): LFMVIIYAII[Gly214Arg]LELFKGKMHK

ClinVar aggregate classification (germline): Uncertain significance. Review status: criteria provided, multiple submitters, no conflicts (2 of 4 stars). 3 submissions from 3 submitters: Uncertain significance (3). Last evaluated 2025-07-25.

Conditions:
Inborn genetic diseases. Identifiers: MedGen C0950123, MeSH D030342.
Malignant hyperthermia, susceptibility to, 5 (MHS5). Also called: CACNA1S-Related Malignant Hyperthermia Susceptibility. Identifiers: Orphanet 423, MedGen C1866077, MONDO:0011163, OMIM 601887.

Allele frequency attached by ClinVar (database versions not stated): ExAC 0.00001; gnomAD exomes 0.00001; gnomAD 0.00002; TOPMed 0.00002.
gnomAD v4.1: 21 of 1,613,990 alleles (0.0013%); highest among the groups gnomAD compares: Non-Finnish European, 0.0016%; no homozygotes.

Submissions (3):

GeneDx
Classification: Uncertain significance. Last evaluated: 2025-07-25. Review status: criteria provided, single submitter. Criteria: GeneDx Variant Classification Process June 2021. Collection method: clinical testing. Allele origin: germline. Affected: yes.
Comment: Not observed at significant frequency in large population cohorts (gnomAD); In silico analysis supports that this missense variant has a deleterious effect on protein structure/function; Has not been previously published as pathogenic or benign to our knowledge

Ambry Genetics
Classification: Uncertain significance for Inborn genetic diseases. Last evaluated: 2025-03-24. Review status: criteria provided, single submitter. Criteria: Ambry Variant Classification Scheme 2023. Collection method: clinical testing. Allele origin: germline.

All of Us Research Program, National Institutes of Health
Classification: Uncertain significance for Malignant hyperthermia, susceptibility to, 5. Last evaluated: 2023-02-24. Review status: criteria provided, single submitter. Criteria: ACMG Guidelines, 2015. Collection method: clinical testing. Allele origin: germline. Inheritance: Autosomal dominant inheritance. Observed: 1 variant allele, 1 heterozygote.
Comment: This missense variant replaces glycine with arginine at codon 214 of the CACNA1S protein. Computational prediction suggests that this variant may have deleterious impact on protein structure and function (internally defined REVEL score threshold >= 0.7, PMID: 27666373). To our knowledge, functional studies have not been reported for this variant. This variant has not been reported in individuals affected with CACNA1S-related disorders in the literature. This variant has been identified in 1/251458 chromosomes in the general population by the Genome Aggregation Database (gnomAD). The available evidence is insufficient to determine the role of this variant in disease conclusively. Therefore, this variant is classified as a Variant of Uncertain Significance.

This study involves interpretation of variants in research participants for the purpose of population health screening. Participant phenotype was not available at the time of variant classification. Additional details can be found in publication PMID: 35346344, PMCID: PMC8962531